The following is an entry in ClinVar:

NM_000059.4(BRCA2):c.4575T>C (p.His1525=)

Gene: BRCA2 (BRCA2 DNA repair associated; plus strand). Cytogenetic location: 13q13.1.
Variant type: single nucleotide variant.
Coding change: c.4575T>C on transcript NM_000059.4 (MANE Select); coding-DNA position 4575, T replaced by C.
Protein change: p.His1525=; no amino-acid change (histidine 1525 retained).
Molecular consequence: synonymous variant.
Genome position (GRCh38, 1-based): chr13:32,338,930, T>C. VCF-style: chr13-32338930-T-C. GRCh37 (hg19) VCF-style: chr13-32913067-T-C.
Identifiers: ClinVar variation 427470 (VCV000427470.19), dbSNP rs762189076, ClinGen allele CA6940796.

ClinVar aggregate classification (germline): Likely benign. Review status: reviewed by expert panel (3 of 4 stars). 5 submissions from 5 submitters: Likely benign (1). 4 of the submissions do not count toward it. Last evaluated 2017-06-29.

Conditions:
Hereditary cancer-predisposing syndrome. Also called: Hereditary neoplastic syndrome; Hereditary Cancer Syndrome; Neoplastic Syndromes, Hereditary; Tumor predisposition. Identifiers: Orphanet 140162, MedGen C0027672, MeSH D009386, MONDO:0015356.
BRCA2-related cancer predisposition. Identifiers: MedGen CN377758, MONDO:0700269.
Breast-ovarian cancer, familial, susceptibility to, 2 (BROVCA2). Also called: BRCA2 Hereditary Breast and Ovarian Cancer. Identifiers: Orphanet 145, MedGen C2675520, MONDO:0012933, OMIM 612555. Disease mechanism: loss of function.
Hereditary breast ovarian cancer syndrome. Also called: Hereditary breast and ovarian cancer syndrome; BRCA1- and BRCA2-Associated Hereditary Breast and Ovarian Cancer; Hereditary breast and/or ovarian cancer syndrome; Hereditary breast and ovarian cancer; Breast and ovarian cancer; Hereditary breast and ovarian cancer syndrome (HBOC). Identifiers: Orphanet 145, MedGen C0677776, MeSH D061325, MONDO:0003582. Disease mechanism: loss of function.

Allele frequency attached by ClinVar (database versions not stated): gnomAD exomes below 0.00001 and 0.00001; ExAC 0.00001; TOPMed 0.00001.
gnomAD v4.1: 4 of 1,613,948 alleles (0.00025%); highest among the groups gnomAD compares: Non-Finnish European, 0.00034%; no homozygotes.

Submissions (5):

Evidence-based Network for the Interpretation of Germline Mutant Alleles (ENIGMA)
Classification: Likely benign for Breast-ovarian cancer, familial, susceptibility to, 2. Last evaluated: 2017-06-29. Review status: reviewed by expert panel. Criteria: ENIGMA BRCA1/2 Classification Criteria (2017-06-29). Collection method: curation. Allele origin: germline.
Comment: Synonymous substitution variant, with low bioinformatic likelihood to result in a splicing aberration (Splicing prior probability 0.02).

Labcorp Genetics (formerly Invitae), Labcorp
Classification: Likely benign for Hereditary breast ovarian cancer syndrome. Last evaluated: 2025-07-27. Review status: criteria provided, single submitter. Criteria: Invitae Variant Classification Sherloc (09022015). Collection method: clinical testing. Allele origin: germline. Not counted in ClinVar's aggregate classification.

All of Us Research Program, National Institutes of Health
Classification: Likely benign for BRCA2-related cancer predisposition. Last evaluated: 2024-05-14. Review status: criteria provided, single submitter. Criteria: ACMG Guidelines, 2015. Collection method: clinical testing. Allele origin: germline. Inheritance: Autosomal dominant inheritance. Observed: 1 variant allele, 1 heterozygote. Not counted in ClinVar's aggregate classification.
Comment: This study involves interpretation of variants in research participants for the purpose of population health screening. Participant phenotype was not available at the time of variant classification. Additional details can be found in publication PMID: 35346344, PMCID: PMC8962531

Color Diagnostics, LLC DBA Color Health
Classification: Likely benign for Hereditary cancer-predisposing syndrome. Last evaluated: 2024-05-06. Review status: criteria provided, single submitter. Criteria: ACMG Guidelines, 2015. Collection method: clinical testing. Allele origin: germline. Not counted in ClinVar's aggregate classification.

Ambry Genetics
Classification: Likely benign for Hereditary cancer-predisposing syndrome. Last evaluated: 2018-03-01. Review status: criteria provided, single submitter. Criteria: Ambry Variant Classification Scheme 2023. Collection method: clinical testing. Allele origin: germline. Not counted in ClinVar's aggregate classification.